The following is an entry in ClinVar:

ClinVar aggregate classification (germline): Uncertain significance (1 of 4 stars; one submission).

Submission:

GeneDx
Classification: Uncertain significance. Last evaluated: 2024-08-20. Review status: criteria provided, single submitter. Criteria: GeneDx Variant Classification Process June 2021. Collection method: clinical testing. Allele origin: germline. Affected: yes.
Comment: Reported using an alternate transcript of the gene; Not observed at significant frequency in large population cohorts (gnomAD); In silico analysis supports that this missense variant has a deleterious effect on protein structure/function; Has not been previously published as pathogenic or benign to our knowledge

NM_080425.4(GNAS):c.179C>T (p.Pro60Leu)

Gene: GNAS (GNAS complex locus; plus strand). Cytogenetic location: 20q13.32.
Variant type: single nucleotide variant.
Coding change: c.179C>T on transcript NM_080425.4 (MANE Plus Clinical); coding-DNA position 179, C replaced by T.
Protein change: p.Pro60Leu; replaces proline 60 with leucine.
Molecular consequence: missense variant. On other transcripts: 5 prime UTR variant (2), intron variant (3).
Genome position (GRCh38, 1-based): chr20:58,853,444, C>T. VCF-style: chr20-58853444-C-T. GRCh37 (hg19) VCF-style: chr20-57428499-C-T.
Other names: c.-9C>T (NM_001077490.3, NM_001309883.1); c.179C>T, p.Pro60Leu (NM_001410913.1); c.*42+12558C>T (NM_016592.5); c.43+12558C>T (NM_001410912.1); c.-39+11569C>T (NM_001309861.2); short protein forms P60L.
Identifiers: ClinVar variation 3764380 (VCV003764380.1).